The following is an entry in ClinVar:

NM_001384474.1(LOXHD1):c.469dup (p.Arg157fs)

Gene: LOXHD1 (lipoxygenase homology PLAT domains 1; minus strand). Cytogenetic location: 18q21.1.
Variant type: Duplication.
Coding change: c.469dup on transcript NM_001384474.1 (MANE Select); coding-DNA position 469, one base duplicated (C; older notation c.469dupC).
Protein change: p.Arg157fs; shifts the reading frame from arginine 157.
Molecular consequence: frameshift variant.
Genome position (GRCh38, 1-based): chr18:46,639,658, G duplicated on the plus strand (C on the coding strand, the reverse complement: LOXHD1 is on the minus strand); the first of 2 consecutive G bases (chr18:46,639,658-46,639,659); duplicating either gives the same sequence. VCF-style (leftmost placement, unchanged base first): chr18-46639657-C-CG. GRCh37 (hg19) VCF-style: chr18-44219620-C-CG.
Other names: c.469dup, p.Arg157fs (NM_144612.7); short protein forms R157fs.
Identifiers: ClinVar variation 1352206 (VCV001352206.6), dbSNP rs1290471450, ClinGen allele CA779800400.
Genomic context (GRCh38, chr18:46,639,657, plus strand): 5'-GGCCAGCCTAGGCACTGACCTCTGGGCATGTCCATGGGGTTGAAGCTGGCCAGCAGGTCA[C>CG]GGCACCACTGGCGGTCACCTTCCACCTTGCTCAGCCAGTTGTTGCAGTTGAAGTAGTAAC-3'

ClinVar aggregate classification (germline): Pathogenic (1 of 4 stars; one submission).

Submission:

Labcorp Genetics (formerly Invitae), Labcorp
Classification: Pathogenic. Last evaluated: 2021-07-08. Review status: criteria provided, single submitter. Criteria: Invitae Variant Classification Sherloc (09022015). Collection method: clinical testing. Allele origin: germline.
Comment: This sequence change creates a premature translational stop signal (p.Arg157Profs*2) in the LOXHD1 gene. It is expected to result in an absent or disrupted protein product. Loss-of-function variants in LOXHD1 are known to be pathogenic (PMID: 19732867, 21465660, 25792669). For these reasons, this variant has been classified as Pathogenic. This variant has not been reported in the literature in individuals affected with LOXHD1-related conditions. This variant is not present in population databases (ExAC no frequency).

Literature cited by the submitters: PubMed 19732867; PubMed 21465660; PubMed 25792669.